The following is an entry in ClinVar:

NM_007103.4(NDUFV1):c.1308+10_1308+12del

Genes: NDUFV1 (NADH:ubiquinone oxidoreductase core subunit V1; plus strand), LOC126861242 (CDK7 strongly-dependent group 2 enhancer GRCh37_chr11:67379204-67380403; plus strand). Cytogenetic location: 11q13.2.
Variant type: Microsatellite.
Coding change: c.1308+10_1308+12del on transcript NM_007103.4 (MANE Select); bases 10 to 12 of the intron after coding-DNA position 1308, 3 bases deleted (ACC; older notation c.1308+10_1308+12delACC).
Molecular consequence: intron variant.
Genome position (GRCh38, 1-based): chr11:67,612,275-67,612,277, ACC deleted; deleting any 3 consecutive bases within chr11:67,612,271-67,612,277 gives the same sequence; the c. name uses the placement nearest the transcript's 3' end. VCF-style (leftmost placement, unchanged base first): chr11-67612270-TCAC-T. GRCh37 (hg19) VCF-style: chr11-67379741-TCAC-T.
Other names: c.1308+10_1308+12delACC (NM_007103.3); c.1281+10_1281+12del (NM_001166102.2).
Identifiers: ClinVar variation 508408 (VCV000508408.1), dbSNP rs1555025903, ClinGen allele CA658797692.

ClinVar aggregate classification (germline): Likely benign (1 of 4 stars; one submission).

Submission:

GeneDx
Classification: Likely benign. Last evaluated: 2017-04-15. Review status: criteria provided, single submitter. Criteria: GeneDx Variant Classification (06012015). Collection method: clinical testing. Allele origin: germline. Affected: yes.
Comment: This variant is considered likely benign or benign based on one or more of the following criteria: it is a conservative change, it occurs at a poorly conserved position in the protein, it is predicted to be benign by multiple in silico algorithms, and/or has population frequency not consistent with disease.